The following is an entry in ClinVar:

NM_197968.4(ZMYM2):c.1516G>T (p.Gly506Cys)

Gene: ZMYM2 (zinc finger MYM-type containing 2; plus strand). Cytogenetic location: 13q12.11.
Variant type: single nucleotide variant.
Coding change: c.1516G>T on transcript NM_197968.4 (MANE Select); coding-DNA position 1516, G replaced by T.
Protein change: p.Gly506Cys; replaces glycine 506 with cysteine.
Molecular consequence: missense variant. On other transcripts: non-coding transcript variant (1).
Genome position (GRCh38, 1-based): chr13:20,019,550, G>T. VCF-style: chr13-20019550-G-T. GRCh37 (hg19) VCF-style: chr13-20593690-G-T.
Other names: c.1516G>T, p.Gly506Cys (NM_001190964.4, NM_001190965.4, NM_001353157.2 and 5 more transcripts); c.1321G>T, p.Gly441Cys (NM_001353161.3); c.1255G>T, p.Gly419Cys (NM_001353163.2); short protein forms G419C, G441C, G506C.
Identifiers: ClinVar variation 2662742 (VCV002662742.1), dbSNP rs2502778975, ClinGen allele CA387671687.
Genomic context (GRCh38, chr13:20,019,550, plus strand): 5'-CAATGTAGCAGCTATTCTTTATGTGTGTTTATAAAGTCTTTTAAAATCTTTTTTTAGGTA[G>T]GTAGCCATCCAAGCTTCCTGAAGGAGGTTCGAGATCACATGCAGGACTCTTTCTTAATGC-3'
Protein context (NP_932072.1, residues 496-516): QSCVSEYKQV[Gly506Cys]SHPSFLKEVR

ClinVar aggregate classification (germline): Uncertain significance (1 of 4 stars; one submission).

Submission:

GeneDx
Classification: Uncertain significance. Last evaluated: 2023-04-27. Review status: criteria provided, single submitter. Criteria: GeneDx Variant Classification Process June 2021. Collection method: clinical testing. Allele origin: germline. Affected: yes.
Comment: Not observed at significant frequency in large population cohorts (gnomAD); In silico analysis supports that this missense variant does not alter protein structure/function; In silico analysis is inconclusive as to whether the variant alters gene splicing. In the absence of RNA/functional studies, the actual effect of this sequence change is unknown.; Has not been previously published as pathogenic or benign to our knowledge